The following is an entry in ClinVar:

NM_014249.4(NR2E3):c.651G>A (p.Leu217=)

Gene: NR2E3 (nuclear receptor subfamily 2 group E member 3; plus strand). Cytogenetic location: 15q23.
Variant type: single nucleotide variant.
Coding change: c.651G>A on transcript NM_014249.4 (MANE Select); coding-DNA position 651, G replaced by A.
Protein change: p.Leu217=; no amino-acid change (leucine 217 retained).
Molecular consequence: synonymous variant.
Genome position (GRCh38, 1-based): chr15:71,812,415, G>A. VCF-style: chr15-71812415-G-A. GRCh37 (hg19) VCF-style: chr15-72104755-G-A.
Other names: c.651G>A, p.Leu217= (NM_016346.4).
Identifiers: ClinVar variation 2020570 (VCV002020570.4), dbSNP rs1242785696, ClinGen allele CA490998667.
Genomic context (GRCh38, chr15:71,812,415, plus strand): 5'-CACCAGCAATGACCCTGAGTTCCCCTCCTCTCCATACTCCTCTTCCTCCCCCTGCGGCCT[G>A]GACAGCATCCATGAGACCTCGGCTCGCCTACTCTTCATGGCCGTCAAGTGGGCCAAGAAC-3'
Protein context (NP_055064.1, residues 207-227): SPYSSSSPCG[Leu217=]DSIHETSARL

ClinVar aggregate classification (germline): Uncertain significance (1 of 4 stars; one submission).

Submission:

Labcorp Genetics (formerly Invitae), Labcorp
Classification: Uncertain significance. Last evaluated: 2022-07-30. Review status: criteria provided, single submitter. Criteria: Invitae Variant Classification Sherloc (09022015). Collection method: clinical testing. Allele origin: germline.
Comment: In summary, the available evidence is currently insufficient to determine the role of this variant in disease. Therefore, it has been classified as a Variant of Uncertain Significance. Algorithms developed to predict the effect of sequence changes on RNA splicing suggest that this variant may disrupt the consensus splice site. This variant has not been reported in the literature in individuals affected with NR2E3-related conditions. This variant is not present in population databases (gnomAD no frequency). This sequence change affects codon 217 of the NR2E3 mRNA. It is a 'silent' change, meaning that it does not change the encoded amino acid sequence of the NR2E3 protein.